The following is an entry in ClinVar:

ClinVar aggregate classification (germline): Uncertain significance (1 of 4 stars; one submission).

Allele frequency attached by ClinVar (database versions not stated): gnomAD 0.00002; TOPMed 0.00003; gnomAD exomes 0.00003.
gnomAD v4.1: 47 of 1,551,216 alleles (0.003%); highest among the groups gnomAD compares: Non-Finnish European, 0.004%; no homozygotes.

Submission:

Labcorp Genetics (formerly Invitae), Labcorp
Classification: Uncertain significance. Last evaluated: 2022-04-07. Review status: criteria provided, single submitter. Criteria: Invitae Variant Classification Sherloc (09022015). Collection method: clinical testing. Allele origin: germline.
Comment: This sequence change replaces serine, which is neutral and polar, with asparagine, which is neutral and polar, at codon 543 of the GREB1L protein (p.Ser543Asn). This variant is present in population databases (no rsID available, gnomAD 0.005%). This variant has not been reported in the literature in individuals affected with GREB1L-related conditions. Algorithms developed to predict the effect of missense changes on protein structure and function are either unavailable or do not agree on the potential impact of this missense change (SIFT: "Not Available"; PolyPhen-2: "Benign"; Align-GVGD: "Not Available"). In summary, the available evidence is currently insufficient to determine the role of this variant in disease. Therefore, it has been classified as a Variant of Uncertain Significance.

NM_001142966.3(GREB1L):c.1628G>A (p.Ser543Asn)

Genes: GREB1L (GREB1 like retinoic acid receptor coactivator; plus strand), GREB1L-AS1 (GREB1L antisense RNA 1; minus strand). Cytogenetic location: 18q11.1.
Variant type: single nucleotide variant.
Coding change: c.1628G>A on transcript NM_001142966.3 (MANE Select); coding-DNA position 1628, G replaced by A.
Protein change: p.Ser543Asn; replaces serine 543 with asparagine.
Molecular consequence: missense variant.
Genome position (GRCh38, 1-based): chr18:21,449,744, G>A. VCF-style: chr18-21449744-G-A. GRCh37 (hg19) VCF-style: chr18-19029705-G-A.
Other names: c.1757G>A, p.Ser586Asn (NM_001410867.1); short protein forms S543N, S586N.
Identifiers: ClinVar variation 2077865 (VCV002077865.4), dbSNP rs970335044, ClinGen allele CA296928099.